The following is an entry in ClinVar:

NM_002417.5(MKI67):c.967G>A (p.Val323Met)

Gene: MKI67 (marker of proliferation Ki-67; minus strand). Cytogenetic location: 10q26.2.
Variant type: single nucleotide variant.
Coding change: c.967G>A on transcript NM_002417.5 (MANE Select); coding-DNA position 967, G replaced by A.
Protein change: p.Val323Met; replaces valine 323 with methionine.
Molecular consequence: missense variant. On other transcripts: intron variant (1).
Genome position (GRCh38, 1-based): chr10:128,115,441, C>T on the plus strand (G>A on the coding strand, the complement: MKI67 is on the minus strand). VCF-style: chr10-128115441-C-T. GRCh37 (hg19) VCF-style: chr10-129913705-C-T.
Other names: c.400+1050G>A (NM_001145966.2); short protein forms V323M.
Identifiers: ClinVar variation 3043393 (VCV003043393.2), dbSNP rs141496223, ClinGen allele CA5747578.

ClinVar aggregate classification (germline): Likely benign (0 of 4 stars; one submission).

Conditions:
MKI67-related disorder. Also called: MKI67-related condition.

Allele frequency attached by ClinVar (database versions not stated): 1000 Genomes Project 0.00060; 1000 Genomes Project 30x 0.00062; TOPMed 0.00086; gnomAD 0.00088; ESP Exome Variant Server 0.00115.

Submission:

PreventionGenetics, part of Exact Sciences
Classification: Likely benign for MKI67-related condition. Last evaluated: 2022-02-15. Review status: no assertion criteria provided. Collection method: clinical testing. Allele origin: germline.
Comment: This variant is classified as likely benign based on ACMG/AMP sequence variant interpretation guidelines (Richards et al. 2015 PMID: 25741868, with internal and published modifications).